The following is an entry in ClinVar:

NM_006231.4(POLE):c.4543_4546delinsTCC (p.Leu1515fs)

Gene: POLE (DNA polymerase epsilon, catalytic subunit; minus strand). Cytogenetic location: 12q24.33.
Variant type: Indel.
Coding change: c.4543_4546delinsTCC on transcript NM_006231.4 (MANE Select); coding-DNA positions 4543 to 4546, CTGG replaced by TCC.
Protein change: p.Leu1515fs; shifts the reading frame from leucine 1515.
Molecular consequence: frameshift variant.
Genome position (GRCh38, 1-based): chr12:132,643,229-132,643,232, CCAG replaced by GGA on the plus strand (CTGG replaced by TCC on the coding strand, the reverse complement: POLE is on the minus strand). VCF-style: chr12-132643229-CCAG-GGA. GRCh37 (hg19) VCF-style: chr12-133219815-CCAG-GGA.
Other names: short protein forms L1515fs.
Identifiers: ClinVar variation 824989 (VCV000824989.5), dbSNP rs1593733478, ClinGen allele CA915946823.
Genomic context (GRCh38, chr12:132,643,229, plus strand): 5'-CCTTCCCCAAACCCTGCCCCAGCCAATGTGCTGCCATGGAGGGCCCAGGACTCACAGTGT[CCAG>GGA]CACAAAGACGGATGCCCTGCGCTGTGAGGGGATGAAGATCCCGAAGAGCGCTTTGTGGGC-3'

ClinVar aggregate classification (germline): Uncertain significance (1 of 4 stars; one submission).

Conditions:
Hereditary cancer-predisposing syndrome. Also called: Hereditary Cancer Syndrome; Tumor predisposition; Neoplastic Syndromes, Hereditary; Hereditary neoplastic syndrome. Identifiers: Orphanet 140162, MedGen C0027672, MeSH D009386, MONDO:0015356.

Submission:

Ambry Genetics
Classification: Uncertain significance for Hereditary cancer-predisposing syndrome. Last evaluated: 2026-01-21. Review status: criteria provided, single submitter. Criteria: Ambry Variant Classification Scheme 2023. Collection method: clinical testing. Allele origin: germline.
Comment: The c.4543_4546delCTGGinsTCC variant, located in coding exon 35 of the POLE gene, results from the deletion of 4 nucleotides and insertion of 3 nucleotides causing a translational frameshift with a predicted alternate stop codon (p.L1515Sfs*47). This alteration is expected to result in loss of function by premature protein truncation or nonsense-mediated mRNA decay. Although biallelic loss of function of POLE has been associated with autosomal recessive POLE deficiency, haploinsufficiency of POLE has not been established as a mechanism of disease for POLE-related polymerase proofreading-associated polyposis (PPAP) and POLE-related CMMRD-like syndrome. Based on the supporting evidence, this variant is expected to be causative of POLE deficiency when present along with a second pathogenic variant on the other allele; however, its clinical significance for PPAP and POLE-related CMMRD-like syndrome is unclear.